The following is an entry in ClinVar:

ClinVar aggregate classification (germline): Benign. Review status: criteria provided, single submitter (1 of 4 stars). 2 submissions from 2 submitters: Benign (1). 1 of the submissions does not count toward it. Last evaluated 2025-12-23.

Conditions:
LIPI-related disorder. Also called: LIPI-related condition.

Allele frequency attached by ClinVar (database versions not stated): ExAC 0.00106; gnomAD 0.00312; 1000 Genomes Project 0.00379; ESP Exome Variant Server 0.00392; 1000 Genomes Project 30x 0.00437.
gnomAD v4.1: 790 of 1,602,016 alleles (0.049%); highest among the groups gnomAD compares: African/African-American, 0.97%; 3 homozygotes.

Submissions (2):

Labcorp Genetics (formerly Invitae), Labcorp
Classification: Benign. Last evaluated: 2025-12-23. Review status: criteria provided, single submitter. Criteria: Invitae Variant Classification Sherloc (09022015). Collection method: clinical testing. Allele origin: germline.

PreventionGenetics, part of Exact Sciences
Classification: Benign for LIPI-related condition. Last evaluated: 2019-11-11. Review status: no assertion criteria provided. Collection method: clinical testing. Allele origin: germline. Not counted in ClinVar's aggregate classification.
Comment: This variant is classified as benign based on ACMG/AMP sequence variant interpretation guidelines (Richards et al. 2015 PMID: 25741868, with internal and published modifications).

NM_001302998.2(LIPI):c.460C>G (p.His154Asp)

Gene: LIPI (lipase I; minus strand). Cytogenetic location: 21q11.2.
Variant type: single nucleotide variant.
Coding change: c.460C>G on transcript NM_001302998.2 (MANE Select); coding-DNA position 460, C replaced by G.
Protein change: p.His154Asp; replaces histidine 154 with aspartic acid.
Molecular consequence: missense variant. On other transcripts: intron variant (1).
Genome position (GRCh38, 1-based): chr21:14,186,042, G>C on the plus strand (C>G on the coding strand, the complement: LIPI is on the minus strand). VCF-style: chr21-14186042-G-C. GRCh37 (hg19) VCF-style: chr21-15558363-G-C.
Other names: c.523C>G (NM_198996.3); c.460C>G, p.His154Asp (NM_001302999.2, NM_001303000.2, NM_001303001.2 and 1 more transcripts); c.325C>G, p.His109Asp (NM_198996.4); c.47-4183C>G (NM_001379566.1); short protein forms H109D, H154D.
Identifiers: ClinVar variation 2054214 (VCV002054214.6), dbSNP rs115706095, ClinGen allele CA9979668.